The following is an entry in ClinVar:

ClinVar aggregate classification (germline): Uncertain significance. Review status: criteria provided, multiple submitters, no conflicts (2 of 4 stars). 2 submissions from 2 submitters: Uncertain significance (2). Last evaluated 2025-06-06.

Conditions:
Inborn genetic diseases. Identifiers: MedGen C0950123, MeSH D030342.

Allele frequency attached by ClinVar (database versions not stated): gnomAD 0.00001.
gnomAD v4.1: 2 of 1,601,490 alleles (0.00012%); highest among the groups gnomAD compares: Admixed American, 0.0017%; no homozygotes.

Submissions (2):

Ambry Genetics
Classification: Uncertain significance for Inborn genetic diseases. Last evaluated: 2025-06-06. Review status: criteria provided, single submitter. Criteria: Ambry Variant Classification Scheme 2023. Collection method: clinical testing. Allele origin: germline.

Labcorp Genetics (formerly Invitae), Labcorp
Classification: Uncertain significance. Last evaluated: 2024-10-22. Review status: criteria provided, single submitter. Criteria: Invitae Variant Classification Sherloc (09022015). Collection method: clinical testing. Allele origin: germline.
Comment: This sequence change replaces leucine, which is neutral and non-polar, with proline, which is neutral and non-polar, at codon 25 of the CEP78 protein (p.Leu25Pro). This variant is not present in population databases (gnomAD no frequency). This variant has not been reported in the literature in individuals affected with CEP78-related conditions. ClinVar contains an entry for this variant (Variation ID: 1512974). Invitae Evidence Modeling of protein sequence and biophysical properties (such as structural, functional, and spatial information, amino acid conservation, physicochemical variation, residue mobility, and thermodynamic stability) has been performed for this missense variant. However, the output from this modeling did not meet the statistical confidence thresholds required to predict the impact of this variant on CEP78 protein function. In summary, the available evidence is currently insufficient to determine the role of this variant in disease. Therefore, it has been classified as a Variant of Uncertain Significance.

NM_001330691.3(CEP78):c.74T>C (p.Leu25Pro)

Gene: CEP78 (centrosomal protein 78; plus strand). Cytogenetic location: 9q21.2.
Variant type: single nucleotide variant.
Coding change: c.74T>C on transcript NM_001330691.3 (MANE Select); coding-DNA position 74, T replaced by C.
Protein change: p.Leu25Pro; replaces leucine 25 with proline.
Molecular consequence: missense variant.
Genome position (GRCh38, 1-based): chr9:78,236,424, T>C. VCF-style: chr9-78236424-T-C. GRCh37 (hg19) VCF-style: chr9-80851340-T-C.
Other names: c.74T>C, p.Leu25Pro (NM_001098802.3, NM_001330693.3, NM_001330694.2 and 4 more transcripts); c.74T>C (NM_001098802.1); short protein forms L25P.
Identifiers: ClinVar variation 1512974 (VCV001512974.9), dbSNP rs1825935987, ClinGen allele CA373999215.